The following is an entry in ClinVar:

ClinVar aggregate classification (germline): Pathogenic (1 of 4 stars; one submission).

Conditions:
Chuvash polycythemia. Also called: POLYCYTHEMIA, VHL-DEPENDENT. Identifiers: Orphanet 238557, MedGen C1837915, MONDO:0009892, OMIM 263400.
Von Hippel-Lindau syndrome (VHLS). Also called: Von Hippel-Lindau; VHL syndrome; von Hippel–Lindau syndrome. Identifiers: Orphanet 892, MedGen C0019562, MONDO:0008667, OMIM 193300. Disease mechanism: loss of function.

Submission:

Labcorp Genetics (formerly Invitae), Labcorp
Classification: Pathogenic for Von Hippel-Lindau syndrome; Erythrocytosis, familial, 2. Last evaluated: 2019-09-21. Review status: criteria provided, single submitter. Criteria: Invitae Variant Classification Sherloc (09022015). Collection method: clinical testing. Allele origin: germline.
Comment: A gross deletion of the genomic region encompassing the full coding sequence of the VHL gene has been identified. The boundaries of this event are unknown as the deletion extends beyond the assayed region for this gene and therefore may encompass additional genes. Similar gross deletions have been observed in multiple individuals and families with von Hippel-Lindau disease (PMID: 19764026, 10830910, 19280651, 10567493, 8634692, 17537157, 20567917). Loss-of-function variants in VHL are known to be pathogenic (PMID: 8956040, 12202531). For these reasons, this variant has been classified as Pathogenic.

Literature cited by the submitters: PubMed 19764026; PubMed 8634692; PubMed 10830910; PubMed 10567493; PubMed 20567917; PubMed 17537157; PubMed 19280651.

NC_000003.12:g.(?_10072861)_(10150035_?)del

Genes: BRK1 (BRICK1 subunit of SCAR/WAVE actin nucleating complex; plus strand), FANCD2 (FA complementation group D2; plus strand), FANCD2OS (FANCD2 opposite strand; minus strand), VHL (von Hippel-Lindau tumor suppressor; plus strand). Cytogenetic location: 3p25.3.
Variant type: Deletion.
Identifiers: ClinVar variation 833032 (VCV000833032.1).